The following is an entry in ClinVar:

ClinVar aggregate classification (germline): Conflicting classifications of pathogenicity. Review status: criteria provided, conflicting classifications (1 of 4 stars). 2 submissions from 2 submitters: Likely pathogenic (1); Uncertain significance (1). Last evaluated 2026-07-29.

Submissions (2):

GeneDx
Classification: Likely pathogenic. Last evaluated: 2026-07-29. Review status: criteria provided, single submitter. Criteria: GeneDx Variant Classification Process June 2021. Collection method: clinical testing. Allele origin: germline.
Comment: Not observed at significant frequency in large population cohorts (gnomAD); In silico analysis supports that this missense variant has a deleterious effect on protein structure/function; Has not been previously published as pathogenic or benign to our knowledge

Blueprint Genetics
Classification: Uncertain significance. Last evaluated: 2018-10-05. Review status: criteria provided, single submitter. Criteria: ACMG Guidelines, 2015. Collection method: clinical testing. Allele origin: germline.

NM_014516.4(CNOT3):c.37C>T (p.Arg13Cys)

Gene: CNOT3 (CCR4-NOT transcription complex subunit 3; plus strand). Cytogenetic location: 19q13.42.
Variant type: single nucleotide variant.
Coding change: c.37C>T on transcript NM_014516.4 (MANE Select); coding-DNA position 37, C replaced by T.
Protein change: p.Arg13Cys; replaces arginine 13 with cysteine.
Molecular consequence: missense variant.
Genome position (GRCh38, 1-based): chr19:54,143,130, C>T. VCF-style: chr19-54143130-C-T. GRCh37 (hg19) VCF-style: chr19-54646866-C-T.
Other names: short protein forms R13C.
Identifiers: ClinVar variation 3360773 (VCV003360773.2).